The following is an entry in ClinVar:

NM_004006.3(DMD):c.6296T>C (p.Phe2099Ser)

Gene: DMD (dystrophin; minus strand). Cytogenetic location: Xp21.1.
Variant type: single nucleotide variant.
Coding change: c.6296T>C on transcript NM_004006.3 (MANE Select); coding-DNA position 6296, T replaced by C.
Protein change: p.Phe2099Ser; replaces phenylalanine 2099 with serine.
Molecular consequence: missense variant.
Genome position (GRCh38, 1-based): chrX:32,217,058, A>G on the plus strand (T>C on the coding strand, the complement: DMD is on the minus strand). VCF-style: chrX-32217058-A-G. GRCh37 (hg19) VCF-style: chrX-32235175-A-G.
Other names: c.6272T>C, p.Phe2091Ser (NM_000109.4); c.6284T>C, p.Phe2095Ser (NM_004009.3); c.5927T>C, p.Phe1976Ser (NM_004010.3); c.2273T>C, p.Phe758Ser (NM_004011.4); c.2264T>C, p.Phe755Ser (NM_004012.4); short protein forms F2099S, F2095S, F755S, F1976S, F2091S, F758S.
Identifiers: ClinVar variation 1038956 (VCV001038956.10), dbSNP rs1229763776, ClinGen allele CA412660795.

ClinVar aggregate classification (germline): Uncertain significance. Review status: criteria provided, multiple submitters, no conflicts (2 of 4 stars). 4 submissions from 4 submitters: Uncertain significance (3). 1 of the submissions does not count toward it. Last evaluated 2021-09-01.

Conditions:
Cardiomyopathy (CMYO). Also called: Cardiomyopathies. Identifiers: Orphanet 167848, MedGen C0878544, MONDO:0004994, HP:0001638. Inheritance: Various modes of inheritance.
Dystrophin deficiency.
Duchenne muscular dystrophy (DMD). Also called: MUSCULAR DYSTROPHY, PSEUDOHYPERTROPHIC PROGRESSIVE, DUCHENNE TYPE; Duchenne Muscular Dystrophy (DMD). Identifiers: Orphanet 98896, MedGen C0013264, MONDO:0010679, OMIM 310200.
Becker muscular dystrophy (BMD). Also called: Becker Muscular Dystrophy (BMD); MUSCULAR DYSTROPHY, PSEUDOHYPERTROPHIC PROGRESSIVE, BECKER TYPE. Identifiers: Orphanet 98895, MedGen C0917713, MONDO:0010311, OMIM 300376.

Allele frequency attached by ClinVar (database versions not stated): gnomAD 0.00001; TOPMed 0.00001.
gnomAD v4.1: 1 of 1,207,296 alleles (0.000083%); highest among the groups gnomAD compares: African/African-American, 0.0018%; no homozygotes.

Submissions (4):

Labcorp Genetics (formerly Invitae), Labcorp
Classification: Uncertain significance for Duchenne muscular dystrophy. Last evaluated: 2021-09-01. Review status: criteria provided, single submitter. Criteria: Invitae Variant Classification Sherloc (09022015). Collection method: clinical testing. Allele origin: germline.
Comment: This sequence change replaces phenylalanine with serine at codon 2099 of the DMD protein (p.Phe2099Ser). The phenylalanine residue is highly conserved and there is a large physicochemical difference between phenylalanine and serine. This variant is not present in population databases (ExAC no frequency). This variant has not been reported in the literature in individuals affected with DMD-related conditions. Algorithms developed to predict the effect of missense changes on protein structure and function (SIFT, PolyPhen-2, Align-GVGD) all suggest that this variant is likely to be disruptive. In summary, the available evidence is currently insufficient to determine the role of this variant in disease. Therefore, it has been classified as a Variant of Uncertain Significance.

Revvity Omics, Revvity
Classification: Uncertain significance. Last evaluated: 2020-11-29. Review status: criteria provided, single submitter. Criteria: ACMG Guidelines, 2015. Collection method: clinical testing. Allele origin: germline.

GeneDx
Classification: Uncertain significance. Last evaluated: 2019-08-09. Review status: criteria provided, single submitter. Criteria: GeneDx Variant Classification Process June 2021. Collection method: clinical testing. Allele origin: germline. Affected: yes.
Comment: Has not been previously published as pathogenic or benign to our knowledge; Not observed in large population cohorts (Lek et al., 2016); In silico analysis, which includes protein predictors and evolutionary conservation, supports a deleterious effect; Missense variant in a gene in which most reported pathogenic variants are truncating/loss-of-function

Natera, Inc.
Classification: Uncertain significance for Becker muscular dystrophy; Cardiomyopathy; Duchenne muscular dystrophy; Dystrophin deficiency. Last evaluated: 2018-11-11. Review status: no assertion criteria provided. Collection method: clinical testing. Allele origin: germline. Not counted in ClinVar's aggregate classification.